The following is an entry in ClinVar:

NM_014423.4(AFF4):c.1565A>C (p.Lys522Thr)

Gene: AFF4 (ALF transcription elongation factor 4; minus strand). Cytogenetic location: 5q31.1.
Variant type: single nucleotide variant.
Coding change: c.1565A>C on transcript NM_014423.4 (MANE Select); coding-DNA position 1565, A replaced by C.
Protein change: p.Lys522Thr; replaces lysine 522 with threonine.
Molecular consequence: missense variant.
Genome position (GRCh38, 1-based): chr5:132,897,065, T>G on the plus strand (A>C on the coding strand, the complement: AFF4 is on the minus strand). VCF-style: chr5-132897065-T-G. GRCh37 (hg19) VCF-style: chr5-132232757-T-G.
Other names: short protein forms K522T.
Identifiers: ClinVar variation 2963700 (VCV002963700.3), dbSNP rs1008867886, ClinGen allele CA127273575.

ClinVar aggregate classification (germline): Uncertain significance (1 of 4 stars; one submission).

Conditions:
Cognitive impairment - coarse facies - heart defects - obesity - pulmonary involvement - short stature - skeletal dysplasia syndrome. Also called: COGNITIVE IMPAIRMENT, COARSE FACIES, HEART DEFECTS, OBESITY, PULMONARY INVOLVEMENT, SHORT STATURE, AND SKELETAL DYSPLASIA; Chops syndrome; AFF4-Related CHOPS Syndrome. Identifiers: Orphanet 444077, MedGen C4085597, MONDO:0014609, OMIM 616368.

Allele frequency attached by ClinVar (database versions not stated): gnomAD exomes below 0.00001.
gnomAD v4.1: 2 of 1,614,206 alleles (0.00012%); highest among the groups gnomAD compares: Non-Finnish European, 0.00017%; no homozygotes.

Submission:

Labcorp Genetics (formerly Invitae), Labcorp
Classification: Uncertain significance for Cognitive impairment - coarse facies - heart defects - obesity - pulmonary involvement - short stature - skeletal dysplasia syndrome. Last evaluated: 2023-02-26. Review status: criteria provided, single submitter. Criteria: Invitae Variant Classification Sherloc (09022015). Collection method: clinical testing. Allele origin: germline.
Comment: In summary, the available evidence is currently insufficient to determine the role of this variant in disease. Therefore, it has been classified as a Variant of Uncertain Significance. Advanced modeling of protein sequence and biophysical properties (such as structural, functional, and spatial information, amino acid conservation, physicochemical variation, residue mobility, and thermodynamic stability) has been performed at Invitae for this missense variant, however the output from this modeling did not meet the statistical confidence thresholds required to predict the impact of this variant on AFF4 protein function. This variant has not been reported in the literature in individuals affected with AFF4-related conditions. This variant is not present in population databases (gnomAD no frequency). This sequence change replaces lysine, which is basic and polar, with threonine, which is neutral and polar, at codon 522 of the AFF4 protein (p.Lys522Thr).